The following is an entry in ClinVar:

ClinVar aggregate classification (germline): Benign/Likely benign. Review status: criteria provided, multiple submitters, no conflicts (2 of 4 stars). 2 submissions from 2 submitters: Benign (1); Likely benign (1). Last evaluated 2026-07-13.

Conditions:
Hereditary cancer-predisposing syndrome. Also called: Hereditary neoplastic syndrome; Neoplastic Syndromes, Hereditary; Tumor predisposition; Hereditary Cancer Syndrome. Identifiers: Orphanet 140162, MedGen C0027672, MeSH D009386, MONDO:0015356.
Rhabdoid tumor predisposition syndrome 2 (RTPS2). Identifiers: Orphanet 231108, Orphanet 69077, MedGen C2750074, MONDO:0013224, OMIM 613325.

Submissions (2):

Myriad Genetics, Inc.
Classification: Benign for Rhabdoid tumor predisposition syndrome 2. Last evaluated: 2026-07-13. Review status: criteria provided, single submitter. Criteria: Myriad Autosomal Dominant, Autosomal Recessive and X-Linked Classification Criteria (2023). Collection method: clinical testing. Allele origin: unknown.
Comment: This variant is considered benign. This variant is a silent/synonymous amino acid change and it is not expected to impact splicing.

Ambry Genetics
Classification: Likely benign for Hereditary cancer-predisposing syndrome. Last evaluated: 2022-10-30. Review status: criteria provided, single submitter. Criteria: Ambry Variant Classification Scheme 2023. Collection method: clinical testing. Allele origin: germline.

NM_003072.5(SMARCA4):c.2469C>T (p.Asp823=)

Gene: SMARCA4 (SWI/SNF related BAF chromatin remodeling complex subunit ATPase 4; plus strand). Cytogenetic location: 19p13.2.
Variant type: single nucleotide variant.
Coding change: c.2469C>T on transcript NM_003072.5 (MANE Select); coding-DNA position 2469, C replaced by T.
Protein change: p.Asp823=; no amino-acid change (aspartic acid 823 retained).
Molecular consequence: synonymous variant. On other transcripts: non-coding transcript variant (1).
Genome position (GRCh38, 1-based): chr19:11,018,987, C>T. VCF-style: chr19-11018987-C-T. GRCh37 (hg19) VCF-style: chr19-11129663-C-T.
Other names: c.2469C>T, p.Asp823= (NM_001128844.3, NM_001128845.2, NM_001128846.2 and 6 more transcripts).
Identifiers: ClinVar variation 1791733 (VCV001791733.3), dbSNP rs1568481575, ClinGen allele CA505490153.